The following is an entry in ClinVar:

ClinVar aggregate classification (germline): Uncertain significance (1 of 4 stars; one submission).

Conditions:
Autosomal recessive limb-girdle muscular dystrophy type 2A (LGMDR1). Also called: Muscular dystrophy, limb-girdle, type 2A, Amish; Limb-girdle muscular dystrophy, type 2A; Calpainopathy; LEYDEN-MOEBIUS MUSCULAR DYSTROPHY; MUSCULAR DYSTROPHY, PELVOFEMORAL. Identifiers: Orphanet 267, MedGen C1869123, MONDO:0009675, OMIM 253600. Disease mechanism: loss of function.

Submission:

Labcorp Genetics (formerly Invitae), Labcorp
Classification: Uncertain significance for Autosomal recessive limb-girdle muscular dystrophy type 2A. Last evaluated: 2022-08-23. Review status: criteria provided, single submitter. Criteria: Invitae Variant Classification Sherloc (09022015). Collection method: clinical testing. Allele origin: germline.
Comment: In summary, the available evidence is currently insufficient to determine the role of this variant in disease. Therefore, it has been classified as a Variant of Uncertain Significance. Variants that disrupt the consensus splice site are a relatively common cause of aberrant splicing (PMID: 17576681, 9536098). Algorithms developed to predict the effect of sequence changes on RNA splicing suggest that this variant may create or strengthen a splice site. This variant has not been reported in the literature in individuals affected with CAPN3-related conditions. This variant is not present in population databases (gnomAD no frequency). This sequence change falls in intron 13 of the CAPN3 gene. It does not directly change the encoded amino acid sequence of the CAPN3 protein. It affects a nucleotide within the consensus splice site.

Literature cited by the submitters: PubMed 17576681; PubMed 9536098.

NM_000070.3(CAPN3):c.1745+3G>C

Gene: CAPN3 (calpain 3; plus strand). Cytogenetic location: 15q15.1.
Variant type: single nucleotide variant.
Coding change: c.1745+3G>C on transcript NM_000070.3 (MANE Select); 3 bases into the intron after coding-DNA position 1745, G replaced by C.
Molecular consequence: intron variant.
Genome position (GRCh38, 1-based): chr15:42,403,005, G>C. VCF-style: chr15-42403005-G-C. GRCh37 (hg19) VCF-style: chr15-42695203-G-C.
Other names: c.1745+3G>C (NM_024344.2); c.1601+3G>C (NM_173087.2); c.209+3G>C (NM_173088.2).
Identifiers: ClinVar variation 2073994 (VCV002073994.4), dbSNP rs2548279655, ClinGen allele CA2580089428.